The following is an entry in ClinVar:

ClinVar aggregate classification (germline): Conflicting classifications of pathogenicity. Review status: criteria provided, conflicting classifications (1 of 4 stars). 2 submissions from 2 submitters: Uncertain significance (1); Likely benign (1). Last evaluated 2023-03-23.

Conditions:
Hereditary cancer-predisposing syndrome. Also called: Hereditary neoplastic syndrome; Neoplastic Syndromes, Hereditary; Tumor predisposition; Hereditary Cancer Syndrome. Identifiers: Orphanet 140162, MedGen C0027672, MeSH D009386, MONDO:0015356.
Hereditary breast ovarian cancer syndrome. Also called: Hereditary breast and/or ovarian cancer syndrome; Hereditary breast and ovarian cancer syndrome; Hereditary breast and ovarian cancer syndrome (HBOC); Breast and ovarian cancer; BRCA1- and BRCA2-Associated Hereditary Breast and Ovarian Cancer; Hereditary breast and ovarian cancer. Identifiers: Orphanet 145, MedGen C0677776, MeSH D061325, MONDO:0003582. Disease mechanism: loss of function.

Submissions (2):

University of Washington Department of Laboratory Medicine, University of Washington
Classification: Likely benign for Hereditary cancer-predisposing syndrome. Last evaluated: 2023-03-23. Review status: criteria provided, single submitter. Criteria: Dines et al. (Genet Med. 2020). Collection method: curation. Allele origin: germline.
Comment: Missense variant in a coldspot region where missense variants are very unlikely to be pathogenic (PMID:31911673).

BRCA2 exon 11 coldspot. Reclassification based on statistical prior probability.

Labcorp Genetics (formerly Invitae), Labcorp
Classification: Uncertain significance for Hereditary breast ovarian cancer syndrome. Last evaluated: 2020-07-30. Review status: criteria provided, single submitter. Criteria: Invitae Variant Classification Sherloc (09022015). Collection method: clinical testing. Allele origin: germline.
Comment: In summary, the available evidence is currently insufficient to determine the role of this variant in disease. Therefore, it has been classified as a Variant of Uncertain Significance. Advanced modeling of protein sequence and biophysical properties (such as structural, functional, and spatial information, amino acid conservation, physicochemical variation, residue mobility, and thermodynamic stability) performed at Invitae indicates that this missense variant is not expected to disrupt BRCA2 protein function. This sequence change replaces leucine with phenylalanine at codon 1208 of the BRCA2 protein (p.Leu1208Phe). The leucine residue is weakly conserved and there is a small physicochemical difference between leucine and phenylalanine. This variant is not present in population databases (ExAC no frequency). This variant has not been reported in the literature in individuals with BRCA2-related conditions.

NM_000059.4(BRCA2):c.3624A>C (p.Leu1208Phe)

Gene: BRCA2 (BRCA2 DNA repair associated; plus strand). Cytogenetic location: 13q13.1.
Variant type: single nucleotide variant.
Coding change: c.3624A>C on transcript NM_000059.4 (MANE Select); coding-DNA position 3624, A replaced by C.
Protein change: p.Leu1208Phe; replaces leucine 1208 with phenylalanine.
Molecular consequence: missense variant.
Genome position (GRCh38, 1-based): chr13:32,337,979, A>C. VCF-style: chr13-32337979-A-C. GRCh37 (hg19) VCF-style: chr13-32912116-A-C.
Other names: short protein forms L1208F.
Identifiers: ClinVar variation 1005106 (VCV001005106.10), dbSNP rs2072484830, ClinGen allele CA387777587.
Genomic context (GRCh38, chr13:32,337,979, plus strand): 5'-TAAACGGAAGTTTGCTGGCCTGTTGAAAAATGACTGTAACAAAAGTGCTTCTGGTTATTT[A>C]ACAGATGAAAATGAAGTGGGGTTTAGGGGCTTTTATTCTGCTCATGGCACAAAACTGAAT-3'
Protein context (NP_000050.3, residues 1198-1218): NDCNKSASGY[Leu1208Phe]TDENEVGFRG